The following is an entry in ClinVar:

NM_001379081.2(FREM1):c.6010-3A>G

Gene: FREM1 (FRAS1 related extracellular matrix 1; minus strand). Cytogenetic location: 9p22.3.
Variant type: single nucleotide variant.
Coding change: c.6010-3A>G on transcript NM_001379081.2 (MANE Select); 3 bases into the intron before coding-DNA position 6010, A replaced by G.
Molecular consequence: intron variant.
Genome position (GRCh38, 1-based): chr9:14,747,054, T>C on the plus strand (A>G on the coding strand, the complement: FREM1 is on the minus strand). VCF-style: chr9-14747054-T-C. GRCh37 (hg19) VCF-style: chr9-14747052-T-C.
Other names: c.6010-3A>G (NM_144966.7); c.1618-3A>G (NM_001370061.2, NM_001177704.3); c.1468-3A>G (NM_001370058.2).
Identifiers: ClinVar variation 1508407 (VCV001508407.7), dbSNP rs191713464, ClinGen allele CA4989576.
Genomic context (GRCh38, chr9:14,747,054, plus strand): 5'-AATGGAAGAGTCCCTTTAATTCCAGAGTGCAGTTCTTTGGAAATGAGGGCAACTGGTCCT[T>C]TGGGAAGGAAAGGCAATTTAGCAATTTAGAATTGACTTAAGGAAAGTTGCTCACACATTC-3'

ClinVar aggregate classification (germline): Uncertain significance. Review status: criteria provided, multiple submitters, no conflicts (2 of 4 stars). 2 submissions from 2 submitters: Uncertain significance (2). Last evaluated 2024-03-27.

Conditions:
BNAR syndrome. Also called: Bifid Nose With or Without Anorectal and Renal Anomalies (BNAR) Syndrome. Identifiers: Orphanet 217266, MedGen C2750433, MONDO:0012165, OMIM 608980.
Oculotrichoanal syndrome (MOTA). Also called: MARLES SYNDROME; Manitoba Oculotrichoanal (MOTA) Syndrome. Identifiers: Orphanet 2717, MedGen C1855425, MONDO:0009560, OMIM 248450.
Trigonocephaly 2 (TRIGNO2). Identifiers: Orphanet 3366, MedGen C3280974, MONDO:0013774, OMIM 614485.

Allele frequency attached by ClinVar (database versions not stated): gnomAD exomes 0.00001 and 0.00002; gnomAD 0.00010; 1000 Genomes Project 30x 0.00016; TOPMed 0.00021; ExAC 0.00002; 1000 Genomes Project 0.00020.
gnomAD v4.1: 27 of 1,613,142 alleles (0.0017%); highest among the groups gnomAD compares: Admixed American, 0.035%; no homozygotes.

Submissions (2):

Fulgent Genetics
Classification: Uncertain significance for Oculotrichoanal syndrome; BNAR syndrome; Trigonocephaly 2. Last evaluated: 2024-03-27. Review status: criteria provided, single submitter. Criteria: ACMG Guidelines, 2015. Collection method: clinical testing. Allele origin: germline.

Labcorp Genetics (formerly Invitae), Labcorp
Classification: Uncertain significance. Last evaluated: 2022-10-21. Review status: criteria provided, single submitter. Criteria: Invitae Variant Classification Sherloc (09022015). Collection method: clinical testing. Allele origin: germline.
Comment: This sequence change falls in intron 34 of the FREM1 gene. It does not directly change the encoded amino acid sequence of the FREM1 protein. It affects a nucleotide within the consensus splice site. This variant is present in population databases (rs191713464, gnomAD 0.006%). This variant has not been reported in the literature in individuals affected with FREM1-related conditions. ClinVar contains an entry for this variant (Variation ID: 1508407). Variants that disrupt the consensus splice site are a relatively common cause of aberrant splicing (PMID: 17576681, 9536098). Algorithms developed to predict the effect of sequence changes on RNA splicing suggest that this variant may disrupt the consensus splice site. In summary, the available evidence is currently insufficient to determine the role of this variant in disease. Therefore, it has been classified as a Variant of Uncertain Significance.

Literature cited by the submitters: PubMed 17576681 (cited by Labcorp Genetics (formerly Invitae), Labcorp); PubMed 9536098 (cited by Labcorp Genetics (formerly Invitae), Labcorp).